The following is an entry in ClinVar:

ClinVar aggregate classification (germline): Conflicting classifications of pathogenicity. Review status: criteria provided, conflicting classifications (1 of 4 stars). 2 submissions from 2 submitters: Likely pathogenic (1); Uncertain significance (1). Last evaluated 2022-11-29.

Conditions:
Early-infantile DEE. Also called: Early infantile epileptic encephalopathy with suppression bursts; Early infantile epileptic encephalopathy; Ohtahara syndrome. Identifiers: Orphanet 1934, MedGen C0393706, MONDO:0800491.

Submissions (2):

Labcorp Genetics (formerly Invitae), Labcorp
Classification: Likely pathogenic for Early-infantile DEE. Last evaluated: 2022-11-29. Review status: criteria provided, single submitter. Criteria: Invitae Variant Classification Sherloc (09022015). Collection method: clinical testing. Allele origin: germline.
Comment: Algorithms developed to predict the effect of sequence changes on RNA splicing suggest that this variant may create or strengthen a splice site. Advanced modeling of protein sequence and biophysical properties (such as structural, functional, and spatial information, amino acid conservation, physicochemical variation, residue mobility, and thermodynamic stability) performed at Invitae indicates that this missense variant is expected to disrupt SCN1A protein function. ClinVar contains an entry for this variant (Variation ID: 808871). This missense change has been observed in individual(s) with SCN1A-related conditions (Invitae). This variant is not present in population databases (gnomAD no frequency). This sequence change replaces leucine, which is neutral and non-polar, with tryptophan, which is neutral and slightly polar, at codon 139 of the SCN1A protein (p.Leu139Trp). In summary, the currently available evidence indicates that the variant is pathogenic, but additional data are needed to prove that conclusively. Therefore, this variant has been classified as Likely Pathogenic.

CeGaT Center for Human Genetics Tuebingen
Classification: Uncertain significance. Last evaluated: 2017-02-01. Review status: criteria provided, single submitter. Criteria: CeGaT Center For Human Genetics Tuebingen Variant Classification Criteria Version 2. Collection method: clinical testing. Allele origin: germline. Affected: yes. Observed: 1 variant allele.

NM_001165963.4(SCN1A):c.416T>G (p.Leu139Trp)

Gene: SCN1A (sodium voltage-gated channel alpha subunit 1; minus strand). Cytogenetic location: 2q24.3.
Variant type: single nucleotide variant.
Coding change: c.416T>G on transcript NM_001165963.4 (MANE Select); coding-DNA position 416, T replaced by G.
Protein change: p.Leu139Trp; replaces leucine 139 with tryptophan.
Molecular consequence: missense variant. On other transcripts: 5 prime UTR variant (1), non-coding transcript variant (1).
Genome position (GRCh38, 1-based): chr2:166,056,468, A>C on the plus strand (T>G on the coding strand, the complement: SCN1A is on the minus strand). VCF-style: chr2-166056468-A-C. GRCh37 (hg19) VCF-style: chr2-166912978-A-C.
Other names: c.416T>G, p.Leu139Trp (NM_001165964.3, NM_001202435.3, NM_001353948.2 and 10 more transcripts); c.-2010T>G (NM_001353961.2); short protein forms L139W.
Identifiers: ClinVar variation 808871 (VCV000808871.51), dbSNP rs1553552378, ClinGen allele CA349076041.